The following is an entry in ClinVar:

ClinVar aggregate classification (germline): Uncertain significance (1 of 4 stars; one submission).

Submission:

Labcorp Genetics (formerly Invitae), Labcorp
Classification: Uncertain significance. Last evaluated: 2023-07-10. Review status: criteria provided, single submitter. Criteria: Invitae Variant Classification Sherloc (09022015). Collection method: clinical testing. Allele origin: germline.
Comment: In summary, the available evidence is currently insufficient to determine the role of this variant in disease. Therefore, it has been classified as a Variant of Uncertain Significance. Algorithms developed to predict the effect of missense changes on protein structure and function output the following: SIFT: "Not Available"; PolyPhen-2: "Benign"; Align-GVGD: "Not Available". The glutamine amino acid residue is found in multiple mammalian species, which suggests that this missense change does not adversely affect protein function. This variant has not been reported in the literature in individuals affected with SAMD9L-related conditions. This variant is not present in population databases (gnomAD no frequency). This sequence change replaces proline, which is neutral and non-polar, with glutamine, which is neutral and polar, at codon 299 of the SAMD9L protein (p.Pro299Gln).

NM_152703.5(SAMD9L):c.896C>A (p.Pro299Gln)

Gene: SAMD9L (sterile alpha motif domain containing 9 like; minus strand). Cytogenetic location: 7q21.2.
Variant type: single nucleotide variant.
Coding change: c.896C>A on transcript NM_152703.5 (MANE Select); coding-DNA position 896, C replaced by A.
Protein change: p.Pro299Gln; replaces proline 299 with glutamine.
Molecular consequence: missense variant.
Genome position (GRCh38, 1-based): chr7:93,135,076, G>T on the plus strand (C>A on the coding strand, the complement: SAMD9L is on the minus strand). VCF-style: chr7-93135076-G-T. GRCh37 (hg19) VCF-style: chr7-92764389-G-T.
Other names: c.896C>A, p.Pro299Gln (NM_001303496.3, NM_001303497.3, NM_001303498.3 and 5 more transcripts); short protein forms P299Q.
Identifiers: ClinVar variation 2862607 (VCV002862607.3), dbSNP rs2535433232, ClinGen allele CA368200075.